The following is an entry in ClinVar:

ClinVar aggregate classification (germline): Pathogenic (1 of 4 stars; one submission).

Conditions:
CHD7-related disorder. Also called: CHD7-related condition.

Submission:

PreventionGenetics, part of Exact Sciences
Classification: Pathogenic for CHD7-related condition. Last evaluated: 2023-02-05. Review status: criteria provided, single submitter. Criteria: ACMG Guidelines, 2015. Collection method: clinical testing. Allele origin: germline.
Comment: The CHD7 c.3285delG variant is predicted to result in a frameshift and premature protein termination (p.Asn1096Ilefs*7). To our knowledge, this variant has not been reported in the literature or in a large population database, indicating this variant is rare. Frameshift variants in CHD7 are expected to be pathogenic. This variant is interpreted as pathogenic.

NM_017780.4(CHD7):c.3285del (p.Asn1096fs)

Gene: CHD7 (chromodomain helicase DNA binding protein 7; plus strand). Cytogenetic location: 8q12.2.
Variant type: Deletion.
Coding change: c.3285del on transcript NM_017780.4 (MANE Select); coding-DNA position 3285, one base deleted (G; older notation c.3285delG).
Protein change: p.Asn1096fs; shifts the reading frame from asparagine 1096.
Molecular consequence: frameshift variant. On other transcripts: intron variant (1).
Genome position (GRCh38, 1-based): chr8:60,823,923, G deleted; the last of 2 consecutive G bases (chr8:60,823,922-60,823,923); deleting either gives the same sequence. VCF-style (leftmost placement, unchanged base first): chr8-60823921-CG-C. GRCh37 (hg19) VCF-style: chr8-61736480-CG-C.
Other names: c.1717-38306del (NM_001316690.1); short protein forms N1096fs.
Identifiers: ClinVar variation 2630269 (VCV002630269.1), dbSNP rs2487818875, ClinGen allele CA2695201471.